The following is an entry in ClinVar:

NM_001943.5(DSG2):c.3340C>T (p.Gln1114Ter)

Genes: DSG2-AS1 (DSG2 antisense RNA 1; minus strand), DSG2 (desmoglein 2; plus strand). Cytogenetic location: 18q12.1.
Variant type: single nucleotide variant.
Coding change: c.3340C>T on transcript NM_001943.5 (MANE Select); coding-DNA position 3340, C replaced by T.
Protein change: p.Gln1114Ter; replaces glutamine 1114 with a stop codon.
Molecular consequence: nonsense.
Genome position (GRCh38, 1-based): chr18:31,546,726, C>T. VCF-style: chr18-31546726-C-T. GRCh37 (hg19) VCF-style: chr18-29126689-C-T.
Other names: c.3340C>T (LRG_397t1); short protein forms Q1114*.
Identifiers: ClinVar variation 534679 (VCV000534679.18), dbSNP rs776078563, ClinGen allele CA402149512.

ClinVar aggregate classification (germline): Uncertain significance. Review status: criteria provided, multiple submitters, no conflicts (2 of 4 stars). 6 submissions from 6 submitters: Uncertain significance (6). Last evaluated 2025-10-28.

Conditions:
Arrhythmogenic right ventricular cardiomyopathy (ARVD). Also called: Arrhythmogenic cardiomyopathy; Arrhythmogenic Right Ventricular Cardiomyopathy (ARVC); Cardiomyopathy, ARVC; Arrhythmogenic right ventricular dysplasia. Identifiers: Orphanet 247, MedGen C0349788, MeSH D019571, MONDO:0016587. Disease mechanism: loss of function. Inheritance: Various modes of inheritance.
Cardiomyopathy (CMYO). Also called: Cardiomyopathies. Identifiers: Orphanet 167848, MedGen C0878544, MONDO:0004994, HP:0001638. Inheritance: Various modes of inheritance.
Arrhythmogenic right ventricular dysplasia 10. Also called: Arrhythmogenic right ventricular dysplasia/cardiomyopathy, type 10; Arrhythmogenic Right Ventricular Dysplasia/Cardiomyopathy10; ARRHYTHMOGENIC RIGHT VENTRICULAR DYSPLASIA, FAMILIAL, 10. Identifiers: MedGen C1857777, MONDO:0012434, OMIM 610193.

gnomAD v4.1: 6 of 1,614,032 alleles (0.00037%); highest among the groups gnomAD compares: African/African-American, 0.0013%; no homozygotes.

Submissions (6):

Color Diagnostics, LLC DBA Color Health
Classification: Uncertain significance for Cardiomyopathy. Last evaluated: 2025-10-28. Review status: criteria provided, single submitter. Criteria: ACMG Guidelines, 2015. Collection method: clinical testing. Allele origin: germline.
Comment: This variant changes 1 nucleotide in exon 15 of the DSG2 gene, creating a premature translation stop signal in the last coding exon. This variant is expected to escape nonsense-mediated decay and be expressed as a truncated protein that lacks the last 5 amino acids of the normal protein. This variant has been reported in an individual affected with dilated cardiomyopathy, and it did not segregate with dilated cardiomyopathy phenotype in the proband's family (PMID: 32826072). This variant has not been identified in the general population by the Genome Aggregation Database (gnomAD). The available evidence is insufficient to determine the role of this variant in disease conclusively. Therefore, this variant is classified as a Variant of Uncertain Significance.

Laboratorio de Genetica e Diagnostico Molecular, Hospital Israelita Albert Einstein
Classification: Uncertain significance for Arrhythmogenic right ventricular dysplasia 10. Last evaluated: 2025-06-12. Review status: criteria provided, single submitter. Criteria: ACMG Guidelines, 2015. Collection method: clinical testing. Allele origin: germline.
Comment: This variant occurs in the last exon of the DSG2 gene. It introduces a stopcodon 5 aminoacids prior to the original termination codon of DSG2 gene and generates a transcript not expected to undergo NMD. It disrupts a region with unknown function and removes less than 10% of protein. This variant is present at a low frequency in population databases (gnomAD v4 - 0.0003%). It was identified once in a patient undergoing NGS testing for noncardiac phenotype (PMID: 33968641). This variant has also been reported in a stillbirth case (PMID: 30615648), with no documented incidence of cardiovascular disease (PMID: 33968641). Considering the current evidence, it is classified as a Variant of Uncertain Significance (PVS1 moderate, PM2 supporting).

All of Us Research Program, National Institutes of Health
Classification: Uncertain significance for Arrhythmogenic right ventricular cardiomyopathy. Last evaluated: 2024-03-05. Review status: criteria provided, single submitter. Criteria: ACMG Guidelines, 2015. Collection method: clinical testing. Allele origin: germline. Inheritance: Autosomal dominant inheritance. Observed: 2 variant alleles, 2 heterozygotes.
Comment: This variant changes 1 nucleotide in exon 15 of the DSG2 gene, creating a premature translation stop signal in the last coding exon. This variant is expected to escape nonsense-mediated decay and be expressed as a truncated protein. This variant has been reported in an individual affected with dilated cardiomyopathy and in two unaffected family members (PMID: 32826072). This variant has also been reported in a stillbirth case (PMID: 30615648), as well as in an individual with no documented incidence of cardiovascular disease (PMID: 33968641). This variant has not been identified in the general population by the Genome Aggregation Database (gnomAD). The available evidence is insufficient to determine the role of this variant in disease conclusively. Therefore, this variant is classified as a Variant of Uncertain Significance.

This study involves interpretation of variants in research participants for the purpose of population health screening. Participant phenotype was not available at the time of variant classification. Additional details can be found in publication PMID: 35346344, PMCID: PMC8962531

GeneDx
Classification: Uncertain significance. Last evaluated: 2024-02-02. Review status: criteria provided, single submitter. Criteria: GeneDx Variant Classification Process June 2021. Collection method: clinical testing. Allele origin: germline. Affected: yes.
Comment: Not observed at significant frequency in large population cohorts (gnomAD); Nonsense variant predicted to result in protein truncation as the last 5 amino acids are lost, although loss-of-function variants have not been reported downstream of this position in the protein; This variant is associated with the following publications: (PMID: 30615648, 33968641)

Labcorp Genetics (formerly Invitae), Labcorp
Classification: Uncertain significance for Arrhythmogenic right ventricular dysplasia 10. Last evaluated: 2022-10-24. Review status: criteria provided, single submitter. Criteria: Invitae Variant Classification Sherloc (09022015). Collection method: clinical testing. Allele origin: germline.
Comment: This sequence change creates a premature translational stop signal (p.Gln1114*) in the DSG2 gene. While this is not anticipated to result in nonsense mediated decay, it is expected to disrupt the last 5 amino acid(s) of the DSG2 protein. This variant is not present in population databases (gnomAD no frequency). This variant has not been reported in the literature in individuals affected with DSG2-related conditions. ClinVar contains an entry for this variant (Variation ID: 534679). In summary, the available evidence is currently insufficient to determine the role of this variant in disease. Therefore, it has been classified as a Variant of Uncertain Significance.

AiLife Diagnostics
Classification: Uncertain significance. Last evaluated: 2021-05-28. Review status: criteria provided, single submitter. Criteria: ACMG Guidelines, 2015. Collection method: clinical testing. Allele origin: germline. Affected: yes. Observed: 1 variant allele.

Literature cited by the submitters: PubMed 32826072 (cited by Color Diagnostics, LLC DBA Color Health and All of Us Research Program, National Institutes of Health); PubMed 30615648 (cited by All of Us Research Program, National Institutes of Health); PubMed 33968641 (cited by All of Us Research Program, National Institutes of Health).